The following is an entry in ClinVar:

ClinVar aggregate classification (germline): Pathogenic (1 of 4 stars; one submission).

Submission:

Labcorp Genetics (formerly Invitae), Labcorp
Classification: Pathogenic. Last evaluated: 2025-08-31. Review status: criteria provided, single submitter. Criteria: Invitae Variant Classification Sherloc (09022015). Collection method: clinical testing. Allele origin: germline.
Comment: This sequence change affects an acceptor splice site in intron 3 of the SFTPC gene. It is expected to disrupt RNA splicing. Variants that disrupt the donor or acceptor splice site typically lead to a loss of protein function (PMID: 16199547), however the current clinical and genetic evidence is not sufficient to establish whether loss-of-function variants in SFTPC cause disease. This variant is not present in population databases (gnomAD no frequency). Disruption of this splice site has been observed in individual(s) with SFTPC-related conditions (PMID: 18383112, 19443464; internal data). In at least one individual the variant was observed to be de novo. Algorithms developed to predict the effect of sequence changes on RNA splicing suggest that this variant may disrupt the consensus splice site. For these reasons, this variant has been classified as Pathogenic.

Literature cited by the submitters: PubMed 16199547; PubMed 18383112; PubMed 19443464.

NM_001317778.2(SFTPC):c.325-1G>C

Gene: SFTPC (surfactant protein C; plus strand). Cytogenetic location: 8p21.3.
Variant type: single nucleotide variant.
Coding change: c.325-1G>C on transcript NM_001317778.2 (MANE Select); the canonical splice acceptor site of the intron before coding-DNA position 325, G replaced by C.
Molecular consequence: splice acceptor variant.
Genome position (GRCh38, 1-based): chr8:22,163,435, G>C. VCF-style: chr8-22163435-G-C. GRCh37 (hg19) VCF-style: chr8-22020948-G-C.
Other names: c.325-1G>C (NM_001385655.1, NM_001385654.1, NM_001385656.1 and 8 more transcripts); c.166-1G>C (NM_001385660.1, NM_001317779.2).
Identifiers: ClinVar variation 4726413 (VCV004726413.1).